The following is an entry in ClinVar:

NM_000075.4(CDK4):c.347C>T (p.Thr116Met)

Gene: CDK4 (cyclin dependent kinase 4; minus strand). Cytogenetic location: 12q14.1.
Variant type: single nucleotide variant.
Coding change: c.347C>T on transcript NM_000075.4 (MANE Select); coding-DNA position 347, C replaced by T.
Protein change: p.Thr116Met; replaces threonine 116 with methionine.
Molecular consequence: missense variant.
Genome position (GRCh38, 1-based): chr12:57,751,214, G>A on the plus strand (C>T on the coding strand, the complement: CDK4 is on the minus strand). VCF-style: chr12-57751214-G-A. GRCh37 (hg19) VCF-style: chr12-58144997-G-A.
Other names: c.347C>T (NM_000075.2); short protein forms T116M.
Identifiers: ClinVar variation 408339 (VCV000408339.18), dbSNP rs1060501931, ClinGen allele CA16614185.

ClinVar aggregate classification (germline): Uncertain significance. Review status: criteria provided, multiple submitters, no conflicts (2 of 4 stars). 6 submissions from 6 submitters: Uncertain significance (6). Last evaluated 2025-11-10.

Conditions:
CDK4-related disorder. Also called: CDK4-related condition.
Familial melanoma. Also called: Hereditary melanoma; Hereditary cutaneous melanoma. Identifiers: Orphanet 618, MedGen C1512419, MONDO:0018961.
Hereditary cancer-predisposing syndrome. Also called: Hereditary Cancer Syndrome; Hereditary neoplastic syndrome; Neoplastic Syndromes, Hereditary; Tumor predisposition. Identifiers: Orphanet 140162, MedGen C0027672, MeSH D009386, MONDO:0015356.

Allele frequency attached by ClinVar (database versions not stated): gnomAD 0.00001.

Submissions (6):

Labcorp Genetics (formerly Invitae), Labcorp
Classification: Uncertain significance for Familial melanoma. Last evaluated: 2025-11-10. Review status: criteria provided, single submitter. Criteria: Invitae Variant Classification Sherloc (09022015). Collection method: clinical testing. Allele origin: germline.
Comment: This sequence change replaces threonine, which is neutral and polar, with methionine, which is neutral and non-polar, at codon 116 of the CDK4 protein (p.Thr116Met). This variant is present in population databases (no rsID available, gnomAD 0.01%). This variant has not been reported in the literature in individuals affected with CDK4-related conditions. ClinVar contains an entry for this variant (Variation ID: 408339). Invitae Evidence Modeling of protein sequence and biophysical properties (such as structural, functional, and spatial information, amino acid conservation, physicochemical variation, residue mobility, and thermodynamic stability) indicates that this missense variant is not expected to disrupt CDK4 protein function with a negative predictive value of 95%. In summary, the available evidence is currently insufficient to determine the role of this variant in disease. Therefore, it has been classified as a Variant of Uncertain Significance.

GeneDx
Classification: Uncertain significance. Last evaluated: 2024-12-26. Review status: criteria provided, single submitter. Criteria: GeneDx Variant Classification Process June 2021. Collection method: clinical testing. Allele origin: germline. Affected: yes.
Comment: In silico analysis indicates that this missense variant does not alter protein structure/function; Has not been previously published as pathogenic or benign to our knowledge

Women's Health and Genetics/Laboratory Corporation of America, LabCorp
Classification: Uncertain significance. Last evaluated: 2024-04-25. Review status: criteria provided, single submitter. Criteria: LabCorp Variant Classification Summary - May 2015. Collection method: clinical testing. Allele origin: germline.

Ambry Genetics
Classification: Uncertain significance for Hereditary cancer-predisposing syndrome. Last evaluated: 2023-11-22. Review status: criteria provided, single submitter. Criteria: Ambry Variant Classification Scheme 2023. Collection method: clinical testing. Allele origin: germline.
Comment: The p.T116M variant (also known as c.347C>T), located in coding exon 2 of the CDK4 gene, results from a C to T substitution at nucleotide position 347. The threonine at codon 116 is replaced by methionine, an amino acid with similar properties. This amino acid position is not well conserved in available vertebrate species. In addition, this alteration is predicted to be tolerated by in silico analysis. Since supporting evidence is limited at this time, the clinical significance of this alteration remains unclear.

Quest Diagnostics Nichols Institute San Juan Capistrano
Classification: Uncertain significance. Last evaluated: 2023-11-02. Review status: criteria provided, single submitter. Criteria: Quest Diagnostics criteria. Collection method: clinical testing. Allele origin: unknown.
Comment: The CDK4 c.347C>T (p.Thr116Met) variant has not been reported in individuals with CDK4-related conditions in the published literature. The frequency of this variant in the general population, 0.000064 (2/31392 chromosomes (Genome Aggregation Database)), is uninformative in the assessment of its pathogenicity. Analysis of this variant using bioinformatics tools for the prediction of the effect of amino acid changes on protein structure and function yielded predictions that this variant is benign. Based on the available information, we are unable to determine the clinical significance of this variant.

PreventionGenetics, part of Exact Sciences
Classification: Uncertain significance for CDK4-related condition. Last evaluated: 2022-08-24. Review status: criteria provided, single submitter. Criteria: ACMG Guidelines, 2015. Collection method: clinical testing. Allele origin: germline.
Comment: The CDK4 c.347C>T variant is predicted to result in the amino acid substitution p.Thr116Met. To our knowledge, this variant has not been reported in the literature. This variant is reported in 0.013% of alleles in individuals of European (Non-Finnish) descent in gnomAD, and it is documented as a variant of uncertain significance in the ClinVar database. Although we suspect that this variant may be benign, at this time, the clinical significance of this variant is uncertain due to the absence of conclusive functional and genetic evidence.